The following is an entry in ClinVar:

ClinVar aggregate classification (germline): Uncertain significance (1 of 4 stars; one submission).

gnomAD v4.1: 1 of 1,300,414 alleles (0.000077%); highest among the groups gnomAD compares: South Asian, 0.0027%; no homozygotes.

Submission:

Ambry Genetics
Classification: Uncertain significance. Last evaluated: 2026-03-09. Review status: criteria provided, single submitter. Criteria: Ambry Variant Classification Scheme 2023. Collection method: clinical testing. Allele origin: germline.
Comment: The p.P120T variant (also known as c.358C>A), located in coding exon 1 of the EGLN1 gene, results from a C to A substitution at nucleotide position 358. The proline at codon 120 is replaced by threonine, an amino acid with highly similar properties. This amino acid position is conserved. In addition, this alteration is predicted to be tolerated by in silico analysis. Based on the available evidence, the clinical significance of this variant remains unclear.

NM_022051.3(EGLN1):c.358C>A (p.Pro120Thr)

Gene: EGLN1 (egl-9 family hypoxia inducible factor 1; minus strand). Cytogenetic location: 1q42.2.
Variant type: single nucleotide variant.
Coding change: c.358C>A on transcript NM_022051.3 (MANE Select); coding-DNA position 358, C replaced by A.
Protein change: p.Pro120Thr; replaces proline 120 with threonine.
Molecular consequence: missense variant.
Genome position (GRCh38, 1-based): chr1:231,421,531, G>T on the plus strand (C>A on the coding strand, the complement: EGLN1 is on the minus strand). VCF-style: chr1-231421531-G-T. GRCh37 (hg19) VCF-style: chr1-231557277-G-T.
Other names: c.358C>A, p.Pro120Thr (NM_001377260.1, NM_001377261.1); short protein forms P120T.
Identifiers: ClinVar variation 4826538 (VCV004826538.1).
Genomic context (GRCh38, chr1:231,421,531, plus strand): 5'-CAGCCACCGCCGAGCCCTGGCCGCCGGCGGCCGCACGACACGGCGACGCGGCCGCCGCTG[G>T]GTCGGCCGGGGGCTTGGCCTTTACTTTTCCCTTGGCCGCGTCCCCGGAGGCGTTGTCCCG-3'
Protein context (NP_071334.1, residues 110-130): GKVKAKPPAD[Pro120Thr]AAAASPCRAA